The following is an entry in ClinVar:

NM_005097.4(LGI1):c.634A>G (p.Asn212Asp)

Gene: LGI1 (leucine rich glioma inactivated 1; plus strand). Cytogenetic location: 10q23.33.
Variant type: single nucleotide variant.
Coding change: c.634A>G on transcript NM_005097.4 (MANE Select); coding-DNA position 634, A replaced by G.
Protein change: p.Asn212Asp; replaces asparagine 212 with aspartic acid.
Molecular consequence: missense variant. On other transcripts: non-coding transcript variant (1).
Genome position (GRCh38, 1-based): chr10:93,792,873, A>G. VCF-style: chr10-93792873-A-G. GRCh37 (hg19) VCF-style: chr10-95552630-A-G.
Other names: c.634A>G, p.Asn212Asp (NM_001308275.2); c.490A>G, p.Asn164Asp (NM_001308276.2); short protein forms N212D, N164D.
Identifiers: ClinVar variation 533336 (VCV000533336.13), dbSNP rs757629755, ClinGen allele CA5611145.

ClinVar aggregate classification (germline): Uncertain significance (1 of 4 stars; one submission).

Conditions:
Autosomal dominant epilepsy with auditory features. Identifiers: Orphanet 101046, MedGen C1838062, MONDO:0010898.

Allele frequency attached by ClinVar (database versions not stated): ExAC 0.00001; gnomAD exomes 0.00001; TOPMed 0.00002.
gnomAD v4.1: 5 of 1,614,156 alleles (0.00031%); highest among the groups gnomAD compares: African/African-American, 0.0053%; no homozygotes.

Submission:

Labcorp Genetics (formerly Invitae), Labcorp
Classification: Uncertain significance for Autosomal dominant epilepsy with auditory features. Last evaluated: 2023-07-14. Review status: criteria provided, single submitter. Criteria: Invitae Variant Classification Sherloc (09022015). Collection method: clinical testing. Allele origin: germline.
Comment: ClinVar contains an entry for this variant (Variation ID: 533336). Advanced modeling of protein sequence and biophysical properties (such as structural, functional, and spatial information, amino acid conservation, physicochemical variation, residue mobility, and thermodynamic stability) performed at Invitae indicates that this missense variant is not expected to disrupt LGI1 protein function. This variant has not been reported in the literature in individuals affected with LGI1-related conditions. This variant is not present in population databases (gnomAD no frequency). This sequence change replaces asparagine, which is neutral and polar, with aspartic acid, which is acidic and polar, at codon 212 of the LGI1 protein (p.Asn212Asp). In summary, the available evidence is currently insufficient to determine the role of this variant in disease. Therefore, it has been classified as a Variant of Uncertain Significance.